The following is an entry in ClinVar:

NM_000334.4(SCN4A):c.2731C>T (p.His911Tyr)

Genes: GH-LCR (growth hormone locus control region; plus strand), SCN4A (sodium voltage-gated channel alpha subunit 4; minus strand). Cytogenetic location: 17q23.3.
Variant type: single nucleotide variant.
Coding change: c.2731C>T on transcript NM_000334.4 (MANE Select); coding-DNA position 2731, C replaced by T.
Protein change: p.His911Tyr; replaces histidine 911 with tyrosine.
Molecular consequence: missense variant.
Genome position (GRCh38, 1-based): chr17:63,951,546, G>A on the plus strand (C>T on the coding strand, the complement: SCN4A is on the minus strand). VCF-style: chr17-63951546-G-A. GRCh37 (hg19) VCF-style: chr17-62028906-G-A.
Other names: short protein forms H911Y.
Identifiers: ClinVar variation 837548 (VCV000837548.11), dbSNP rs752200039, ClinGen allele CA8709510.

ClinVar aggregate classification (germline): Uncertain significance. Review status: criteria provided, multiple submitters, no conflicts (2 of 4 stars). 2 submissions from 2 submitters: Uncertain significance (2). Last evaluated 2025-10-02.

Conditions:
Hypokalemic periodic paralysis, type 1. Also called: HypoPP; Hypokalemic Periodic Paralysis Type 1 (AD). Identifiers: Orphanet 681, MedGen C3714580, MONDO:0042979, OMIM 170400.
Hyperkalemic periodic paralysis. Also called: Familial hyperkalemic periodic paralysis; Gamstorp disease. Identifiers: Orphanet 682, MedGen C0238357, MONDO:0008224, OMIM 170500, HP:0007215.
Paramyotonia congenita of Von Eulenburg. Also called: Eulenburg disease; Myotonia congenita intermittens; Von Eulenburg paramyotonia congenita; Paramyotonia Congenita; PARALYSIS PERIODICA PARAMYOTONICA. Identifiers: Orphanet 684, MedGen C0221055, MONDO:0008195, OMIM 168300. Disease mechanism: loss of function.
Hypokalemic periodic paralysis, type 2 (HOKPP2). Identifiers: Orphanet 681, MedGen C2750061, MONDO:0013234, OMIM 613345.
Potassium-aggravated myotonia. Also called: MYOTONIA CONGENITA, ACETAZOLAMIDE-RESPONSIVE; MYOTONIA CONGENITA, ATYPICAL; SODIUM CHANNEL MUSCLE DISEASE; Myotonia congenita, atypical, acetazolamide-responsive. Identifiers: Orphanet 612, Orphanet 99734, Orphanet 99735, Orphanet 99736, MedGen C2931826, MONDO:0018959, OMIM 608390.
Congenital myasthenic syndrome 16. Identifiers: Orphanet 590, MedGen C3280112, MONDO:0013620, OMIM 614198.

Allele frequency attached by ClinVar (database versions not stated): ExAC 0.00001; TOPMed 0.00002; gnomAD exomes 0.00001; gnomAD 0.00001.
gnomAD v4.1: 13 of 1,613,884 alleles (0.00081%); highest among the groups gnomAD compares: Admixed American, 0.0033%; no homozygotes.

Submissions (2):

Labcorp Genetics (formerly Invitae), Labcorp
Classification: Uncertain significance for Hyperkalemic periodic paralysis. Last evaluated: 2025-10-02. Review status: criteria provided, single submitter. Criteria: Invitae Variant Classification Sherloc (09022015). Collection method: clinical testing. Allele origin: germline.
Comment: This sequence change replaces histidine, which is basic and polar, with tyrosine, which is neutral and polar, at codon 911 of the SCN4A protein (p.His911Tyr). This variant is present in population databases (rs752200039, gnomAD 0.004%). This variant has not been reported in the literature in individuals affected with SCN4A-related conditions. ClinVar contains an entry for this variant (Variation ID: 837548). Invitae Evidence Modeling of protein sequence and biophysical properties (such as structural, functional, and spatial information, amino acid conservation, physicochemical variation, residue mobility, and thermodynamic stability) indicates that this missense variant is not expected to disrupt SCN4A protein function with a negative predictive value of 95%. In summary, the available evidence is currently insufficient to determine the role of this variant in disease. Therefore, it has been classified as a Variant of Uncertain Significance.

Fulgent Genetics
Classification: Uncertain significance for Paramyotonia congenita of Von Eulenburg; Hypokalemic periodic paralysis, type 1; Hyperkalemic periodic paralysis; Potassium-aggravated myotonia; Hypokalemic periodic paralysis, type 2; Congenital myasthenic syndrome 16. Last evaluated: 2022-05-13. Review status: criteria provided, single submitter. Criteria: ACMG Guidelines, 2015. Collection method: clinical testing. Allele origin: unknown.